The following is an entry in ClinVar:

NM_022464.5(SIL1):c.192C>T (p.Ala64=)

Gene: SIL1 (SIL1 nucleotide exchange factor; minus strand). Cytogenetic location: 5q31.2.
Variant type: single nucleotide variant.
Coding change: c.192C>T on transcript NM_022464.5 (MANE Select); coding-DNA position 192, C replaced by T.
Protein change: p.Ala64=; no amino-acid change (alanine 64 retained).
Molecular consequence: synonymous variant.
Genome position (GRCh38, 1-based): chr5:139,121,087, G>A on the plus strand (C>T on the coding strand, the complement: SIL1 is on the minus strand). VCF-style: chr5-139121087-G-A. GRCh37 (hg19) VCF-style: chr5-138456776-G-A.
Other names: c.192C>T, p.Ala64= (NM_001037633.2).
Identifiers: ClinVar variation 351099 (VCV000351099.37), dbSNP rs148651377, ClinGen allele CA3432664.
Genomic context (GRCh38, chr5:139,121,087, plus strand): 5'-CCTGATACCTGGCTGAAGGGCCTGCCACTCATGCGTCGGGTGGAACACCTCCAGGACTTC[G>A]GCATCCAGCTCCTCCTCGGCTTTGGTTTCTTTTCTCTCTGTTTCTTTGGTGCTGCTCTTC-3'
Protein context (NP_071909.1, residues 54-74): KETKAEEELD[Ala64=]EVLEVFHPTH

ClinVar aggregate classification (germline): Conflicting classifications of pathogenicity. Review status: criteria provided, conflicting classifications (1 of 4 stars). 4 submissions from 4 submitters: Uncertain significance (1); Likely benign (3). Last evaluated 2026-08-01.

Conditions:
Marinesco-Sjögren syndrome (MSS). Also called: Marinesco-SjÃ¶gren syndrome; Marinesco-Sjogren Syndrome. Identifiers: Orphanet 559, MedGen C0024814, MONDO:0009567, OMIM 248800.

Allele frequency attached by ClinVar (database versions not stated): ESP Exome Variant Server 0.00015; gnomAD exomes 0.00017 and 0.00028; gnomAD 0.00019; TOPMed 0.00020; ExAC 0.00021.
gnomAD v4.1: 286 of 1,614,036 alleles (0.018%); highest among the groups gnomAD compares: Middle Eastern, 0.016%; no homozygotes.

Submissions (4):

CeGaT Center for Human Genetics Tuebingen
Classification: Likely benign. Last evaluated: 2026-08-01. Review status: criteria provided, single submitter. Criteria: CeGaT Center For Human Genetics Tuebingen Variant Classification Criteria Version 2. Collection method: clinical testing. Allele origin: germline. Affected: yes. Observed: 7 variant alleles.
Comment: SIL1: BP4, BP7

Labcorp Genetics (formerly Invitae), Labcorp
Classification: Likely benign for Marinesco-Sjögren syndrome. Last evaluated: 2025-06-11. Review status: criteria provided, single submitter. Criteria: Invitae Variant Classification Sherloc (09022015). Collection method: clinical testing. Allele origin: germline.

Blueprint Genetics
Classification: Likely benign. Last evaluated: 2024-11-22. Review status: criteria provided, single submitter. Criteria: ACMG Guidelines, 2015. Collection method: clinical testing. Allele origin: germline.

Illumina Laboratory Services, Illumina
Classification: Uncertain significance for Marinesco-Sjögren syndrome. Last evaluated: 2018-01-13. Review status: criteria provided, single submitter. Criteria: ICSL Variant Classification Criteria 13 December 2019. Collection method: clinical testing. Allele origin: germline.